The following is an entry in ClinVar:

ClinVar aggregate classification (germline): Uncertain significance (1 of 4 stars; one submission).

Allele frequency attached by ClinVar (database versions not stated): gnomAD exomes below 0.00001; ExAC 0.00001; gnomAD 0.00001.
gnomAD v4.1: 3 of 1,614,112 alleles (0.00019%); highest among the groups gnomAD compares: Admixed American, 0.005%; no homozygotes.

Submission:

Labcorp Genetics (formerly Invitae), Labcorp
Classification: Uncertain significance. Last evaluated: 2023-07-08. Review status: criteria provided, single submitter. Criteria: Invitae Variant Classification Sherloc (09022015). Collection method: clinical testing. Allele origin: germline.
Comment: This sequence change replaces threonine, which is neutral and polar, with arginine, which is basic and polar, at codon 320 of the CPA1 protein (p.Thr320Arg). This variant is not present in population databases (gnomAD no frequency). This variant has not been reported in the literature in individuals affected with CPA1-related conditions. ClinVar contains an entry for this variant (Variation ID: 1485123). Advanced modeling of protein sequence and biophysical properties (such as structural, functional, and spatial information, amino acid conservation, physicochemical variation, residue mobility, and thermodynamic stability) performed at Invitae indicates that this missense variant is not expected to disrupt CPA1 protein function. In summary, the available evidence is currently insufficient to determine the role of this variant in disease. Therefore, it has been classified as a Variant of Uncertain Significance.

NM_001868.4(CPA1):c.959C>G (p.Thr320Arg)

Gene: CPA1 (carboxypeptidase A1; plus strand). Cytogenetic location: 7q32.2.
Variant type: single nucleotide variant.
Coding change: c.959C>G on transcript NM_001868.4 (MANE Select); coding-DNA position 959, C replaced by G.
Protein change: p.Thr320Arg; replaces threonine 320 with arginine.
Molecular consequence: missense variant.
Genome position (GRCh38, 1-based): chr7:130,385,317, C>G. VCF-style: chr7-130385317-C-G. GRCh37 (hg19) VCF-style: chr7-130025158-C-G.
Other names: short protein forms T320R.
Identifiers: ClinVar variation 1485123 (VCV001485123.8), dbSNP rs782510117, ClinGen allele CA4484999.